The following is an entry in ClinVar:

NM_001478.5(B4GALNT1):c.585A>G (p.Gly195=)

Gene: B4GALNT1 (beta-1,4-N-acetyl-galactosaminyltransferase 1; minus strand). Cytogenetic location: 12q13.3.
Variant type: single nucleotide variant.
Coding change: c.585A>G on transcript NM_001478.5 (MANE Select); coding-DNA position 585, A replaced by G.
Protein change: p.Gly195=; no amino-acid change (glycine 195 retained).
Molecular consequence: synonymous variant.
Genome position (GRCh38, 1-based): chr12:57,630,279, T>C on the plus strand (A>G on the coding strand, the complement: B4GALNT1 is on the minus strand). VCF-style: chr12-57630279-T-C. GRCh37 (hg19) VCF-style: chr12-58024062-T-C.
Other names: p.Gly195=; c.420A>G, p.Gly140= (NM_001276468.2); c.585A>G, p.Gly195= (NM_001276469.2).
Identifiers: ClinVar variation 696272 (VCV000696272.11), dbSNP rs149948335, ClinGen allele CA6655720.
Genomic context (GRCh38, chr12:57,630,279, plus strand): 5'-TTGGTCCAGCCCTGGGCTGACAAGGGTGAGATCTGCCTGACCCTCTCCAGTGAGAGTAAC[T>C]CCAGTCACTTCCCCTGCCACGTCCCAGGTGCCTAGGGAGGCAGTCAGGTTCACCTAGGAG-3'
Protein context (NP_001469.1, residues 185-205): GTWDVAGEVT[Gly195=]VTLTGEGQAD

ClinVar aggregate classification (germline): Benign. Review status: criteria provided, multiple submitters, no conflicts (2 of 4 stars). 2 submissions from 2 submitters: Benign (2). Last evaluated 2026-01-26.

Conditions:
Spastic paraplegia. Identifiers: MedGen C0037772, HP:0001258.

Allele frequency attached by ClinVar (database versions not stated): gnomAD 0.00037 and 0.00024; 1000 Genomes Project 0.00200; gnomAD exomes 0.00045 and 0.00072; 1000 Genomes Project 30x 0.00203; TOPMed 0.00041; ExAC 0.00074.

Submissions (2):

Labcorp Genetics (formerly Invitae), Labcorp
Classification: Benign for Spastic paraplegia. Last evaluated: 2026-01-26. Review status: criteria provided, single submitter. Criteria: Invitae Variant Classification Sherloc (09022015). Collection method: clinical testing. Allele origin: germline.

Mayo Clinic Laboratories, Mayo Clinic
Classification: Benign. Last evaluated: 2025-07-17. Review status: criteria provided, single submitter. Criteria: ACMG Guidelines, 2015. Collection method: clinical testing. Allele origin: germline. Observed: 1 variant allele.
Comment: BA1